The following is an entry in ClinVar:

ClinVar aggregate classification (germline): Pathogenic (1 of 4 stars; one submission).

Conditions:
Early-infantile DEE. Also called: Early infantile epileptic encephalopathy; Ohtahara syndrome; Early infantile epileptic encephalopathy with suppression bursts. Identifiers: Orphanet 1934, MedGen C0393706, MONDO:0800491.

Submission:

Labcorp Genetics (formerly Invitae), Labcorp
Classification: Pathogenic for Early-infantile DEE. Last evaluated: 2024-12-19. Review status: criteria provided, single submitter. Criteria: Invitae Variant Classification Sherloc (09022015). Collection method: clinical testing. Allele origin: germline.
Comment: This sequence change creates a premature translational stop signal (p.Asp516Alafs*13) in the KCNQ2 gene. It is expected to result in an absent or disrupted protein product. Loss-of-function variants in KCNQ2 are known to be pathogenic (PMID: 14534157, 23692823, 27779742). This variant is not present in population databases (gnomAD no frequency). This variant has not been reported in the literature in individuals affected with KCNQ2-related conditions. For these reasons, this variant has been classified as Pathogenic.

Literature cited by the submitters: PubMed 14534157; PubMed 23692823; PubMed 27779742.

NM_172107.4(KCNQ2):c.1547del (p.Asp516fs)

Gene: KCNQ2 (potassium voltage-gated channel subfamily Q member 2; minus strand). Cytogenetic location: 20q13.33.
Variant type: Deletion.
Coding change: c.1547del on transcript NM_172107.4 (MANE Select); coding-DNA position 1547, one base deleted (A; older notation c.1547delA).
Protein change: p.Asp516fs; shifts the reading frame from aspartic acid 516.
Molecular consequence: frameshift variant.
Genome position (GRCh38, 1-based): chr20:63,414,172, T deleted on the plus strand (A on the coding strand, the reverse complement: KCNQ2 is on the minus strand). VCF-style (leftmost placement, unchanged base first): chr20-63414171-GT-G. GRCh37 (hg19) VCF-style: chr20-62045524-GT-G.
Other names: c.1493del, p.Asp498fs (NM_001382235.1, NM_172106.3); c.1463del, p.Asp488fs (NM_004518.6); c.1454del, p.Asp485fs (NM_172108.5); short protein forms D498fs, D516fs, D485fs, D488fs.
Identifiers: ClinVar variation 3725181 (VCV003725181.2).